The following is an entry in ClinVar:

ClinVar aggregate classification (germline): Likely benign. Review status: criteria provided, single submitter (1 of 4 stars). 2 submissions from 2 submitters: Likely benign (1). 1 of the submissions does not count toward it. Last evaluated 2024-03-08.

Conditions:
VPS13B-related disorder. Also called: VPS13B-related condition.
Cohen syndrome (COH1). Also called: PEPPER SYNDROME; Cutis verticis gyrata, retinitis pigmentosa, and sensorineural deafness. Identifiers: Orphanet 193, MedGen C0265223, MONDO:0008999, OMIM 216550.

Submissions (2):

Labcorp Genetics (formerly Invitae), Labcorp
Classification: Likely benign for Cohen syndrome. Last evaluated: 2024-03-08. Review status: criteria provided, single submitter. Criteria: Invitae Variant Classification Sherloc (09022015). Collection method: clinical testing. Allele origin: germline.

PreventionGenetics, part of Exact Sciences
Classification: Likely benign for VPS13B-related condition. Last evaluated: 2023-05-15. Review status: no assertion criteria provided. Collection method: clinical testing. Allele origin: germline. Not counted in ClinVar's aggregate classification.
Comment: This variant is classified as likely benign based on ACMG/AMP sequence variant interpretation guidelines (Richards et al. 2015 PMID: 25741868, with internal and published modifications).

NM_152564.5(VPS13B):c.3549C>T (p.Ser1183=)

Gene: VPS13B (vacuolar protein sorting 13 homolog B; plus strand). Cytogenetic location: 8q22.2.
Variant type: single nucleotide variant.
Coding change: c.3549C>T on transcript NM_152564.5 (MANE Select); coding-DNA position 3549, C replaced by T.
Protein change: p.Ser1183=; no amino-acid change (serine 1183 retained).
Molecular consequence: synonymous variant.
Genome position (GRCh38, 1-based): chr8:99,467,517, C>T. VCF-style: chr8-99467517-C-T. GRCh37 (hg19) VCF-style: chr8-100479745-C-T.
Other names: c.3549C>T, p.Ser1183= (NM_017890.5).
Identifiers: ClinVar variation 3351423 (VCV003351423.3).